The following is an entry in ClinVar:

NM_002474.3(MYH11):c.1876G>A (p.Val626Met)

Gene: MYH11 (myosin heavy chain 11; minus strand). Cytogenetic location: 16p13.11.
Variant type: single nucleotide variant.
Coding change: c.1876G>A on transcript NM_002474.3 (MANE Select); coding-DNA position 1876, G replaced by A.
Protein change: p.Val626Met; replaces valine 626 with methionine.
Molecular consequence: missense variant.
Genome position (GRCh38, 1-based): chr16:15,750,320, C>T on the plus strand (G>A on the coding strand, the complement: MYH11 is on the minus strand). VCF-style: chr16-15750320-C-T. GRCh37 (hg19) VCF-style: chr16-15844177-C-T.
Other names: c.1897G>A, p.Val633Met (NM_001040113.2, NM_001040114.2); c.1876G>A, p.Val626Met (NM_022844.3); c.1876G>A (NM_002474.2); short protein forms V626M, V633M.
Identifiers: ClinVar variation 3713315 (VCV003713315.5).

ClinVar aggregate classification (germline): Uncertain significance. Review status: criteria provided, multiple submitters, no conflicts (2 of 4 stars). 4 submissions from 4 submitters: Uncertain significance (4). Last evaluated 2026-07-02.

Conditions:
Familial thoracic aortic aneurysm and aortic dissection (TAAD). Also called: Thoracic aortic aneurysms and dissections. Identifiers: Orphanet 91387, MedGen C4707243, MONDO:0019625.
Aortic aneurysm, familial thoracic 4 (AAT4). Also called: AORTIC ANEURYSM/AORTIC DISSECTION AND PATENT DUCTUS ARTERIOSUS. Identifiers: MedGen C1851504, MONDO:0007568, OMIM 132900.

gnomAD v4.1: 8 of 1,603,892 alleles (0.0005%); highest among the groups gnomAD compares: South Asian, 0.0033%; no homozygotes.

Submissions (4):

Ambry Genetics
Classification: Uncertain significance for Familial thoracic aortic aneurysm and aortic dissection. Last evaluated: 2026-07-02. Review status: criteria provided, single submitter. Criteria: Ambry Variant Classification Scheme 2023. Collection method: clinical testing. Allele origin: germline.
Comment: The p.V626M variant (also known as c.1876G>A), located in coding exon 15 of the MYH11 gene, results from a G to A substitution at nucleotide position 1876. The valine at codon 626 is replaced by methionine, an amino acid with highly similar properties. This amino acid position is conserved. In addition, the in silico prediction for this alteration is inconclusive. Based on the available evidence, the clinical significance of this variant remains unclear.

Color Diagnostics, LLC DBA Color Health
Classification: Uncertain significance for Familial thoracic aortic aneurysm and aortic dissection. Last evaluated: 2025-08-20. Review status: criteria provided, single submitter. Criteria: ACMG Guidelines, 2015. Collection method: clinical testing. Allele origin: germline.
Comment: This missense variant replaces valine with methionine at codon 633 of the MYH11 protein. Computational prediction suggests that this variant may have deleterious impact on protein structure and function. To our knowledge, functional studies have not been reported for this variant. This variant has not been reported in individuals affected with MYH11-related disorders in the literature. This variant has not been identified in the general population by the Genome Aggregation Database (gnomAD). The available evidence is insufficient to determine the role of this variant in disease conclusively. Therefore, this variant is classified as a Variant of Uncertain Significance.

GeneDx
Classification: Uncertain significance. Last evaluated: 2025-03-05. Review status: criteria provided, single submitter. Criteria: GeneDx Variant Classification Process June 2021. Collection method: clinical testing. Allele origin: germline. Affected: yes.
Comment: Not observed at significant frequency in large population cohorts (gnomAD); In silico analysis supports that this missense variant has a deleterious effect on protein structure/function; Has not been previously published as pathogenic or benign to our knowledge

Labcorp Genetics (formerly Invitae), Labcorp
Classification: Uncertain significance for Aortic aneurysm, familial thoracic 4. Last evaluated: 2024-07-31. Review status: criteria provided, single submitter. Criteria: Invitae Variant Classification Sherloc (09022015). Collection method: clinical testing. Allele origin: germline.
Comment: This sequence change replaces valine, which is neutral and non-polar, with methionine, which is neutral and non-polar, at codon 633 of the MYH11 protein (p.Val633Met). This variant is not present in population databases (gnomAD no frequency). This variant has not been reported in the literature in individuals affected with MYH11-related conditions. An algorithm developed to predict the effect of missense changes on protein structure and function (PolyPhen-2) suggests that this variant is likely to be disruptive. In summary, the available evidence is currently insufficient to determine the role of this variant in disease. Therefore, it has been classified as a Variant of Uncertain Significance.